The following is an entry in ClinVar:

NM_173791.5(PDZD8):c.793C>T (p.Pro265Ser)

Gene: PDZD8 (PDZ domain containing 8; minus strand). Cytogenetic location: 10q26.11.
Variant type: single nucleotide variant.
Coding change: c.793C>T on transcript NM_173791.5 (MANE Select); coding-DNA position 793, C replaced by T.
Protein change: p.Pro265Ser; replaces proline 265 with serine.
Molecular consequence: missense variant.
Genome position (GRCh38, 1-based): chr10:117,374,435, G>A on the plus strand (C>T on the coding strand, the complement: PDZD8 is on the minus strand). VCF-style: chr10-117374435-G-A. GRCh37 (hg19) VCF-style: chr10-119133946-G-A.
Other names: short protein forms P265S.
Identifiers: ClinVar variation 4795744 (VCV004795744.1).
Genomic context (GRCh38, chr10:117,374,435, plus strand): 5'-GGGTGTGCTTGCGCTTGATGATCTTCTTGAGCTGGTTGACGATGATGGAGGTGAGCTGGG[G>A]CATGGGCCGCCCTTCAAACTGGGAGCGCACCTCGAAGTCGATCAGCGGGTCTTCCACGAA-3'
Protein context (NP_776152.1, residues 255-275): VRSQFEGRPM[Pro265Ser]QLTSIIVNQL

ClinVar aggregate classification (germline): Uncertain significance (1 of 4 stars; one submission).

gnomAD v4.1: 12 of 1,614,142 alleles (0.00074%); highest among the groups gnomAD compares: African/African-American, 0.015%; no homozygotes.

Submission:

GeneDx
Classification: Uncertain significance. Last evaluated: 2025-08-10. Review status: criteria provided, single submitter. Criteria: GeneDx Variant Classification Process June 2021. Collection method: clinical testing. Allele origin: germline. Affected: yes.
Comment: Not observed at significant frequency in large population cohorts (gnomAD); In silico analysis suggests that this missense variant does not alter protein structure/function; Has not been previously published as pathogenic or benign to our knowledge